The following is an entry in ClinVar:

NM_005045.4(RELN):c.2905C>G (p.Pro969Ala)

Gene: RELN (reelin; minus strand). Cytogenetic location: 7q22.1.
Variant type: single nucleotide variant.
Coding change: c.2905C>G on transcript NM_005045.4 (MANE Select); coding-DNA position 2905, C replaced by G.
Protein change: p.Pro969Ala; replaces proline 969 with alanine.
Molecular consequence: missense variant.
Genome position (GRCh38, 1-based): chr7:103,610,798, G>C on the plus strand (C>G on the coding strand, the complement: RELN is on the minus strand). VCF-style: chr7-103610798-G-C. GRCh37 (hg19) VCF-style: chr7-103251245-G-C.
Other names: c.2905C>G, p.Pro969Ala (NM_173054.3); short protein forms P969A.
Identifiers: ClinVar variation 1395813 (VCV001395813.6), dbSNP rs747794244, ClinGen allele CA4421899.
Genomic context (GRCh38, chr7:103,610,798, plus strand): 5'-TAAACTCACTGGCATGGTAAATACTTGCTGATGTAAATTCCTGACAACTTGGCATACTTG[G>C]AAGGCATTCCTGAAAGAAAGTTAGGCACAAATCAAACCCAGCTTCTGTTTTCCTCAGGTG-3'
Protein context (NP_005036.2, residues 959-979): TWHLVQEECL[Pro969Ala]SMPSCQEFTS

ClinVar aggregate classification (germline): Uncertain significance (1 of 4 stars; one submission).

Conditions:
Norman-Roberts syndrome (LIS2). Also called: Lissencephaly 2 (Norman-Roberts type). Identifiers: Orphanet 89844, MedGen C0796089, MONDO:0009760, OMIM 257320.
Familial temporal lobe epilepsy 7. Identifiers: Orphanet 101046, MedGen C4225327, MONDO:0014639, OMIM 616436.

Allele frequency attached by ClinVar (database versions not stated): gnomAD exomes below 0.00001 and 0.00003; TOPMed below 0.00001; ExAC 0.00001.
gnomAD v4.1: 39 of 1,598,738 alleles (0.0024%); highest among the groups gnomAD compares: Non-Finnish European, 0.0033%; no homozygotes.

Submission:

Labcorp Genetics (formerly Invitae), Labcorp
Classification: Uncertain significance for Familial temporal lobe epilepsy 7; Norman-Roberts syndrome. Last evaluated: 2024-05-22. Review status: criteria provided, single submitter. Criteria: Invitae Variant Classification Sherloc (09022015). Collection method: clinical testing. Allele origin: germline.
Comment: This sequence change replaces proline, which is neutral and non-polar, with alanine, which is neutral and non-polar, at codon 969 of the RELN protein (p.Pro969Ala). This variant is present in population databases (rs747794244, gnomAD 0.0009%). This variant has not been reported in the literature in individuals affected with RELN-related conditions. ClinVar contains an entry for this variant (Variation ID: 1395813). Advanced modeling of protein sequence and biophysical properties (such as structural, functional, and spatial information, amino acid conservation, physicochemical variation, residue mobility, and thermodynamic stability) has been performed at Invitae for this missense variant, however the output from this modeling did not meet the statistical confidence thresholds required to predict the impact of this variant on RELN protein function. In summary, the available evidence is currently insufficient to determine the role of this variant in disease. Therefore, it has been classified as a Variant of Uncertain Significance.